The following is an entry in ClinVar:

NM_001378452.1(ITPR1):c.1480G>A (p.Val494Ile)

Gene: ITPR1 (inositol 1,4,5-trisphosphate receptor type 1; plus strand). Cytogenetic location: 3p26.1.
Variant type: single nucleotide variant.
Coding change: c.1480G>A on transcript NM_001378452.1 (MANE Select); coding-DNA position 1480, G replaced by A.
Protein change: p.Val494Ile; replaces valine 494 with isoleucine.
Molecular consequence: missense variant.
Genome position (GRCh38, 1-based): chr3:4,663,132, G>A. VCF-style: chr3-4663132-G-A. GRCh37 (hg19) VCF-style: chr3-4704816-G-A.
Other names: p.Val479Ile; c.1435G>A (NM_002222.6); c.1480G>A, p.Val494Ile (NM_001099952.4); c.1435G>A, p.Val479Ile (NM_001168272.2, NM_002222.7); short protein forms V479I, V494I.
Identifiers: ClinVar variation 345684 (VCV000345684.68), dbSNP rs41289628, ClinGen allele CA2231198.

ClinVar aggregate classification (germline): Benign/Likely benign. Review status: criteria provided, multiple submitters, no conflicts (2 of 4 stars). 12 submissions from 12 submitters: Benign (5); Likely benign (3). 4 of the submissions do not count toward it. Last evaluated 2026-09-01.

Conditions:
Autosomal dominant cerebellar ataxia. Also called: Spinocerebellar Ataxia, Dominant. Identifiers: Orphanet 99, MedGen C4087347, MONDO:0020380.

Allele frequency attached by ClinVar (database versions not stated): 1000 Genomes Project 0.00240; 1000 Genomes Project 30x 0.00265; TOPMed 0.00386; gnomAD 0.00391 and 0.00413; gnomAD exomes 0.00461 and 0.00498; ExAC 0.00487; ESP Exome Variant Server 0.00506.
gnomAD v4.1: 7,904 of 1,613,778 alleles (0.49%); highest among the groups gnomAD compares: Middle Eastern, 0.69%; 33 homozygotes.

Submissions (12):

CeGaT Center for Human Genetics Tuebingen
Classification: Likely benign. Last evaluated: 2026-09-01. Review status: criteria provided, single submitter. Criteria: CeGaT Center For Human Genetics Tuebingen Variant Classification Criteria Version 2. Collection method: clinical testing. Allele origin: germline. Affected: yes. Observed: 51 variant alleles.
Comment: ITPR1: BS2

Labcorp Genetics (formerly Invitae), Labcorp
Classification: Benign. Last evaluated: 2026-02-03. Review status: criteria provided, single submitter. Criteria: Invitae Variant Classification Sherloc (09022015). Collection method: clinical testing. Allele origin: germline.

Blueprint Genetics
Classification: Likely benign. Last evaluated: 2024-11-26. Review status: criteria provided, single submitter. Criteria: ACMG Guidelines, 2015. Collection method: clinical testing. Allele origin: germline.

Athena Diagnostics
Classification: Benign. Last evaluated: 2024-04-12. Review status: criteria provided, single submitter. Criteria: Athena Diagnostics Criteria. Collection method: clinical testing. Allele origin: unknown.

Mayo Clinic Laboratories, Mayo Clinic
Classification: Benign. Last evaluated: 2023-07-31. Review status: criteria provided, single submitter. Criteria: ACMG Guidelines, 2015. Collection method: clinical testing. Allele origin: germline. Observed: 5 variant alleles.
Comment: BS1, BS2

GeneDx
Classification: Benign. Last evaluated: 2019-02-27. Review status: criteria provided, single submitter. Criteria: GeneDx Variant Classification Process June 2021. Collection method: clinical testing. Allele origin: germline. Affected: yes.
Comment: This variant is associated with the following publications: (PMID: 32859249, 19423733)

Illumina Laboratory Services, Illumina
Classification: Benign for Spinocerebellar Ataxia, Dominant. Last evaluated: 2018-03-06. Review status: criteria provided, single submitter. Criteria: ICSL Variant Classification Criteria 13 December 2019. Collection method: clinical testing. Allele origin: germline.
Comment: This variant was observed in the ICSL laboratory as part of a predisposition screen in an ostensibly healthy population. It had not been previously curated by ICSL or reported in the Human Gene Mutation Database (HGMD: prior to June 1st, 2018), and was therefore a candidate for classification through an automated scoring system. Utilizing variant allele frequency, disease prevalence and penetrance estimates, and inheritance mode, an automated score was calculated to assess if this variant is too frequent to cause the disease. Based on the score and internal cut-off values, a variant classified as benign is not then subjected to further curation. The score for this variant resulted in a classification of benign for this disease.

Center for Pediatric Genomic Medicine, Children's Mercy Hospital and Clinics
Classification: Likely benign. Last evaluated: 2016-06-21. Review status: criteria provided, single submitter. Criteria: ACMG Guidelines, 2015. Collection method: clinical testing. Allele origin: germline.
ClinVar note: Converted during submission from Likely Benign to Likely benign.

Clinical Genetics DNA and cytogenetics Diagnostics Lab, Erasmus MC, Erasmus Medical Center
Classification: Likely benign. Review status: no assertion criteria provided. Collection method: clinical testing. Allele origin: germline. Affected: yes. Study: VKGL Data-share Consensus. Not counted in ClinVar's aggregate classification.

Diagnostic Laboratory, Department of Genetics, University Medical Center Groningen
Classification: Benign. Review status: no assertion criteria provided. Collection method: clinical testing. Allele origin: germline. Affected: yes. Study: VKGL Data-share Consensus. Not counted in ClinVar's aggregate classification.

Genome Diagnostics Laboratory, University Medical Center Utrecht
Classification: Likely benign. Review status: no assertion criteria provided. Collection method: clinical testing. Allele origin: germline. Affected: yes. Study: VKGL Data-share Consensus. Not counted in ClinVar's aggregate classification.

Laboratory of Diagnostic Genome Analysis, Leiden University Medical Center (LUMC)
Classification: Likely benign. Review status: no assertion criteria provided. Collection method: clinical testing. Allele origin: germline. Affected: yes. Study: VKGL Data-share Consensus. Not counted in ClinVar's aggregate classification.

Literature cited by the submitters: PubMed 19423733 (cited by Athena Diagnostics); PubMed 21555639 (cited by Athena Diagnostics); PubMed 20383523 (cited by Athena Diagnostics); PubMed 32032478 (cited by Athena Diagnostics); PubMed 29186133 (cited by Athena Diagnostics); PubMed 28660440 (cited by Athena Diagnostics).